The following is an entry in ClinVar:

ClinVar aggregate classification (germline): Uncertain significance (1 of 4 stars; one submission).

Conditions:
Tuberous sclerosis 2 (TSC2). Identifiers: Orphanet 805, MedGen C1860707, MONDO:0013199, OMIM 613254.

Allele frequency attached by ClinVar (database versions not stated): gnomAD exomes below 0.00001.
gnomAD v4.1: 1 of 1,612,890 alleles (0.000062%); highest among the groups gnomAD compares: Non-Finnish European, 0.000085%; no homozygotes.

Submission:

Labcorp Genetics (formerly Invitae), Labcorp
Classification: Uncertain significance for Tuberous sclerosis 2. Last evaluated: 2022-12-21. Review status: criteria provided, single submitter. Criteria: Invitae Variant Classification Sherloc (09022015). Collection method: clinical testing. Allele origin: germline.
Comment: In summary, the available evidence is currently insufficient to determine the role of this variant in disease. Therefore, it has been classified as a Variant of Uncertain Significance. Advanced modeling of protein sequence and biophysical properties (such as structural, functional, and spatial information, amino acid conservation, physicochemical variation, residue mobility, and thermodynamic stability) performed at Invitae indicates that this missense variant is not expected to disrupt TSC2 protein function. This variant has not been reported in the literature in individuals affected with TSC2-related conditions. This variant is not present in population databases (gnomAD no frequency). This sequence change replaces lysine, which is basic and polar, with glutamic acid, which is acidic and polar, at codon 1739 of the TSC2 protein (p.Lys1739Glu).

NM_000548.5(TSC2):c.5215A>G (p.Lys1739Glu)

Gene: TSC2 (TSC complex subunit 2; plus strand). Cytogenetic location: 16p13.3.
Variant type: single nucleotide variant.
Coding change: c.5215A>G on transcript NM_000548.5 (MANE Select); coding-DNA position 5215, A replaced by G.
Protein change: p.Lys1739Glu; replaces lysine 1739 with glutamic acid.
Molecular consequence: missense variant. On other transcripts: non-coding transcript variant (5).
Genome position (GRCh38, 1-based): chr16:2,088,281, A>G. VCF-style: chr16-2088281-A-G. GRCh37 (hg19) VCF-style: chr16-2138282-A-G.
Other names: c.5083A>G, p.Lys1695Glu (NM_001370404.1); c.5074A>G, p.Lys1692Glu (NM_001370405.1); c.5212A>G, p.Lys1738Glu (NM_001406663.1); c.5143A>G, p.Lys1715Glu (NM_001406664.1); c.5137A>G, p.Lys1713Glu (NM_001406665.1); c.5107A>G, p.Lys1703Glu (NM_001406667.1); c.5104A>G, p.Lys1702Glu (NM_001406668.1); c.5035A>G, p.Lys1679Glu (NM_001406670.1); and 27 more; short protein forms K1224E, K1247E, K1268E, K1495E, K1519E, K1635E, K1666E, K1667E.
Identifiers: ClinVar variation 2822987 (VCV002822987.3), dbSNP rs2151630676, ClinGen allele CA394314411.
Genomic context (GRCh38, chr16:2,088,281, plus strand): 5'-CCCCAGATGGCCTCACAGGTGCATCATAGCCGCTCCAACCCCACCGATATCTACCCCTCC[A>G]AGTGGATTGCCCGGCTCCGCCACATCAAGCGGCTCCGCCAGCGGGTAGGGAATATGGGGC-3'
Protein context (NP_000539.2, residues 1729-1749): RSNPTDIYPS[Lys1739Glu]WIARLRHIKR